The following is an entry in ClinVar:

ClinVar aggregate classification (germline): Uncertain significance. Review status: criteria provided, multiple submitters, no conflicts (2 of 4 stars). 3 submissions from 3 submitters: Uncertain significance (2). 1 of the submissions does not count toward it. Last evaluated 2022-02-04.

Conditions:
Curry-Hall syndrome (WAD). Also called: WEYERS ACRODENTAL DYSOSTOSIS. Identifiers: Orphanet 952, MedGen C0457013, MONDO:0008673, OMIM 193530.
Ellis-van Creveld syndrome (EVC). Also called: Chondroectodermal dysplasia; MESOECTODERMAL DYSPLASIA; EVC-Related Ellis-van Creveld Syndrome; EVC2-Related Ellis-van Creveld Syndrome. Identifiers: Orphanet 289, MedGen C0013903, MONDO:0009162, OMIM 225500.

Allele frequency attached by ClinVar (database versions not stated): gnomAD 0.00013; TOPMed 0.00016.
gnomAD v4.1: 104 of 1,598,538 alleles (0.0065%); highest among the groups gnomAD compares: African/African-American, 0.033%; no homozygotes.

Submissions (3):

Labcorp Genetics (formerly Invitae), Labcorp
Classification: Uncertain significance for Curry-Hall syndrome; Ellis-van Creveld syndrome. Last evaluated: 2022-02-04. Review status: criteria provided, single submitter. Criteria: Invitae Variant Classification Sherloc (09022015). Collection method: clinical testing. Allele origin: germline.
Comment: This sequence change falls in intron 16 of the EVC gene. It does not directly change the encoded amino acid sequence of the EVC protein. It affects a nucleotide within the consensus splice site. This variant is present in population databases (rs753679138, gnomAD 0.05%). This variant has not been reported in the literature in individuals affected with EVC-related conditions. ClinVar contains an entry for this variant (Variation ID: 502495). Variants that disrupt the consensus splice site are a relatively common cause of aberrant splicing (PMID: 17576681, 9536098). Algorithms developed to predict the effect of sequence changes on RNA splicing suggest that this variant is not likely to affect RNA splicing. In summary, the available evidence is currently insufficient to determine the role of this variant in disease. Therefore, it has been classified as a Variant of Uncertain Significance.

Eurofins Ntd Llc (ga)
Classification: Uncertain significance. Last evaluated: 2017-06-14. Review status: criteria provided, single submitter. Criteria: EGL Classification Definitions 2015. Collection method: clinical testing. Allele origin: germline. Observed: 1 variant allele, 1 heterozygote.

Natera, Inc.
Classification: Uncertain significance for Ellis-van Creveld syndrome. Last evaluated: 2019-10-28. Review status: no assertion criteria provided. Collection method: clinical testing. Allele origin: germline. Not counted in ClinVar's aggregate classification.

Literature cited by the submitters: PubMed 17576681 (cited by Labcorp Genetics (formerly Invitae), Labcorp); PubMed 9536098 (cited by Labcorp Genetics (formerly Invitae), Labcorp).

NM_153717.3(EVC):c.2449+4C>T

Gene: EVC (EvC ciliary complex subunit 1; plus strand). Cytogenetic location: 4p16.2.
Variant type: single nucleotide variant.
Coding change: c.2449+4C>T on transcript NM_153717.3 (MANE Select); 4 bases into the intron after coding-DNA position 2449, C replaced by T.
Molecular consequence: intron variant.
Genome position (GRCh38, 1-based): chr4:5,802,098, C>T. VCF-style: chr4-5802098-C-T. GRCh37 (hg19) VCF-style: chr4-5803825-C-T.
Other names: c.2449+4C>T (NM_001306090.2).
Identifiers: ClinVar variation 502495 (VCV000502495.8), dbSNP rs753679138, ClinGen allele CA2836497.